The following is an entry in ClinVar:

ClinVar aggregate classification (germline): Uncertain significance (1 of 4 stars; one submission).

Conditions:
Congenital disorder of glycosylation type 1E (CDG1E). Also called: CONGENITAL DISORDER OF GLYCOSYLATION, TYPE Ie; CDG Ie. Identifiers: Orphanet 79322, MedGen C1837396, MONDO:0012123, OMIM 608799.

Allele frequency attached by ClinVar (database versions not stated): gnomAD exomes below 0.00001; TOPMed 0.00001; gnomAD 0.00003.
gnomAD v4.1: 23 of 1,613,750 alleles (0.0014%); highest among the groups gnomAD compares: Admixed American, 0.018%; no homozygotes.

Submission:

Labcorp Genetics (formerly Invitae), Labcorp
Classification: Uncertain significance for Congenital disorder of glycosylation type 1E. Last evaluated: 2023-10-13. Review status: criteria provided, single submitter. Criteria: Invitae Variant Classification Sherloc (09022015). Collection method: clinical testing. Allele origin: germline.
Comment: This sequence change replaces arginine, which is basic and polar, with glutamine, which is neutral and polar, at codon 92 of the DPM1 protein (p.Arg92Gln). This variant is present in population databases (no rsID available, gnomAD 0.003%). This variant has not been reported in the literature in individuals affected with DPM1-related conditions. ClinVar contains an entry for this variant (Variation ID: 464502). An algorithm developed to predict the effect of missense changes on protein structure and function (PolyPhen-2) suggests that this variant is likely to be disruptive. This variant disrupts the p.Arg92 amino acid residue in DPM1. Other variant(s) that disrupt this residue have been determined to be pathogenic (PMID: 10642597, 10642602, 27481510). This suggests that this residue is clinically significant, and that variants that disrupt this residue are likely to be disease-causing. In summary, the available evidence is currently insufficient to determine the role of this variant in disease. Therefore, it has been classified as a Variant of Uncertain Significance.

Literature cited by the submitters: PubMed 10642597; PubMed 10642602; PubMed 27481510.

NM_003859.3(DPM1):c.275G>A (p.Arg92Gln)

Gene: DPM1 (dolichyl-phosphate mannosyltransferase subunit 1, catalytic; minus strand). Cytogenetic location: 20q13.13.
Variant type: single nucleotide variant.
Coding change: c.275G>A on transcript NM_003859.3 (MANE Select); coding-DNA position 275, G replaced by A.
Protein change: p.Arg92Gln; replaces arginine 92 with glutamine.
Molecular consequence: missense variant. On other transcripts: non-coding transcript variant (1).
Genome position (GRCh38, 1-based): chr20:50,948,649, C>T on the plus strand (G>A on the coding strand, the complement: DPM1 is on the minus strand). VCF-style: chr20-50948649-C-T. GRCh37 (hg19) VCF-style: chr20-49565186-C-T.
Other names: c.275G>A, p.Arg92Gln (NM_001317034.1, NM_001317035.1, NM_001317036.1); short protein forms R92Q.
Identifiers: ClinVar variation 464502 (VCV000464502.7), dbSNP rs1324570980, ClinGen allele CA408975882.